The following is an entry in ClinVar:

ClinVar aggregate classification (germline): Pathogenic. Review status: criteria provided, multiple submitters, no conflicts (2 of 4 stars). 3 submissions from 3 submitters: Pathogenic (3). Last evaluated 2026-05-20.

Conditions:
Cardiovascular phenotype. Identifiers: MedGen CN230736.
Hereditary cancer-predisposing syndrome. Also called: Tumor predisposition; Hereditary Cancer Syndrome; Hereditary neoplastic syndrome; Neoplastic Syndromes, Hereditary. Identifiers: Orphanet 140162, MedGen C0027672, MeSH D009386, MONDO:0015356.

Submissions (3):

Ambry Genetics
Classification: Pathogenic for Cardiovascular phenotype; Hereditary cancer-predisposing syndrome. Last evaluated: 2026-05-20. Review status: criteria provided, single submitter. Criteria: Ambry Variant Classification Scheme 2023. Collection method: clinical testing. Allele origin: germline.
Comment: The c.540delC pathogenic mutation, located in coding exon 6 of the LZTR1 gene, results from a deletion of one nucleotide at nucleotide position 540, causing a translational frameshift with a predicted alternate stop codon (p.T181Rfs*19). This alteration is expected to result in loss of function by premature protein truncation or nonsense-mediated mRNA decay. Loss-of-function variants in LZTR1 are related to an increased risk for schwannomas and autosomal recessive Noonan syndrome; however, such associations with autosomal dominant Noonan syndrome have not been observed (Piotrowski A et al. Nat Genet. 2014 Feb;46:182-7; Yamamoto GL et al. J Med Genet. 2015 Jun;52:413-21; Johnston JJ et al. Genet Med. 2018 10;20:1175-1185). Based on the supporting evidence, this variant is pathogenic for an increased risk of LZTR1-related schwannomatosis (SWN) and would be expected to cause autosomal recessive Noonan syndrome when present along with a second pathogenic or likely pathogenic variant on the other allele; however, the association of this variant with autosomal dominant Noonan syndrome is unlikely.

Labcorp Genetics (formerly Invitae), Labcorp
Classification: Pathogenic. Last evaluated: 2025-02-07. Review status: criteria provided, single submitter. Criteria: Invitae Variant Classification Sherloc (09022015). Collection method: clinical testing. Allele origin: germline.
Comment: This sequence change creates a premature translational stop signal (p.Thr181Argfs*19) in the LZTR1 gene. It is expected to result in an absent or disrupted protein product. Loss-of-function variants in LZTR1 are known to be pathogenic (PMID: 24362817, 25335493, 25480913, 25795793, 29469822, 30368668, 30442762, 30442766, 30481304, 30859559). This variant is present in population databases (no rsID available, gnomAD 0.007%). This variant has not been reported in the literature in individuals affected with LZTR1-related conditions. ClinVar contains an entry for this variant (Variation ID: 2428224). For these reasons, this variant has been classified as Pathogenic.

Laan Lab, Human Genetics Research Group, University of Tartu
Classification: Pathogenic. Last evaluated: 2023-12-01. Review status: criteria provided, single submitter. Criteria: Gelb et al. (Genet Med. 2018). Collection method: research. Allele origin: germline. Inheritance: Autosomal dominant inheritance. Observed: 1 variant allele, 1 heterozygote.
Comment: The main focus of the current study was analyzing men with spermatogenic failure. Several in silico platforms indicated that the variant is pathogenic. The subject belonged to the control group and was not available for further phenotyping.

Literature cited by the submitters: PubMed 24362817 (cited by Labcorp Genetics (formerly Invitae), Labcorp); PubMed 25335493 (cited by Labcorp Genetics (formerly Invitae), Labcorp); PubMed 25480913 (cited by Labcorp Genetics (formerly Invitae), Labcorp); PubMed 25795793 (cited by Labcorp Genetics (formerly Invitae), Labcorp); PubMed 29469822 (cited by Labcorp Genetics (formerly Invitae), Labcorp); PubMed 30368668 (cited by Labcorp Genetics (formerly Invitae), Labcorp); PubMed 30442762 (cited by Labcorp Genetics (formerly Invitae), Labcorp); PubMed 30442766 (cited by Labcorp Genetics (formerly Invitae), Labcorp); PubMed 30481304 (cited by Labcorp Genetics (formerly Invitae), Labcorp); PubMed 30859559 (cited by Labcorp Genetics (formerly Invitae), Labcorp); DOI 10.3389/fendo.2024.1312357 (cited by Laan Lab, Human Genetics Research Group, University of Tartu).

NM_006767.4(LZTR1):c.540del (p.Thr181fs)

Gene: LZTR1 (leucine zipper like post translational regulator 1; plus strand). Cytogenetic location: 22q11.21.
Variant type: Deletion.
Coding change: c.540del on transcript NM_006767.4 (MANE Select); coding-DNA position 540, one base deleted (C; older notation c.540delC).
Protein change: p.Thr181fs; shifts the reading frame from threonine 181.
Molecular consequence: frameshift variant.
Genome position (GRCh38, 1-based): chr22:20,988,819, C deleted; the last of 2 consecutive C bases (chr22:20,988,818-20,988,819); deleting either gives the same sequence. VCF-style (leftmost placement, unchanged base first): chr22-20988817-GC-G. GRCh37 (hg19) VCF-style: chr22-21343106-GC-G.
Other names: c.540delC (NM_006767.3); short protein forms T181fs.
Identifiers: ClinVar variation 2428224 (VCV002428224.9), dbSNP rs1449793938, ClinGen allele CA513489340.
Genomic context (GRCh38, chr22:20,988,817, plus strand): 5'-CTCACTCCCTCCCCTCTTCCCTCACACTCCAGGTTGCCAGTCGCTAGGTCAGCCCATGGG[GC>G]CACGGTGTACAGTGACAAGCTGTGGATCTTTGCTGGCTATGACGGCAACGCCAGGTGGGT-3'